The following is an entry in ClinVar:

ClinVar aggregate classification (germline): Uncertain significance (1 of 4 stars; one submission).

Conditions:
Cardiovascular phenotype. Identifiers: MedGen CN230736.

Submission:

Ambry Genetics
Classification: Uncertain significance for Cardiovascular phenotype. Last evaluated: 2023-04-03. Review status: criteria provided, single submitter. Criteria: Ambry Variant Classification Scheme 2023. Collection method: clinical testing. Allele origin: germline.
Comment: The p.H80Y variant (also known as c.238C>T), located in coding exon 3 of the SOS2 gene, results from a C to T substitution at nucleotide position 238. The histidine at codon 80 is replaced by tyrosine, an amino acid with similar properties. This amino acid position is conserved. In addition, the in silico prediction for this alteration is inconclusive. Since supporting evidence is limited at this time, the clinical significance of this alteration remains unclear.

NM_006939.4(SOS2):c.238C>T (p.His80Tyr)

Gene: SOS2 (SOS Ras/Rho guanine nucleotide exchange factor 2; minus strand). Cytogenetic location: 14q21.3.
Variant type: single nucleotide variant.
Coding change: c.238C>T on transcript NM_006939.4 (MANE Select); coding-DNA position 238, C replaced by T.
Protein change: p.His80Tyr; replaces histidine 80 with tyrosine.
Molecular consequence: missense variant.
Genome position (GRCh38, 1-based): chr14:50,201,060, G>A on the plus strand (C>T on the coding strand, the complement: SOS2 is on the minus strand). VCF-style: chr14-50201060-G-A. GRCh37 (hg19) VCF-style: chr14-50667778-G-A.
Other names: c.238C>T, p.His80Tyr (NM_001411020.1); short protein forms H80Y.
Identifiers: ClinVar variation 2563214 (VCV002563214.2), dbSNP rs2503193817, ClinGen allele CA389650334.